The following is an entry in ClinVar:

ClinVar aggregate classification (germline): Conflicting classifications of pathogenicity. Review status: criteria provided, conflicting classifications (1 of 4 stars). 2 submissions from 2 submitters: Uncertain significance (1); Likely benign (1). Last evaluated 2026-04-21.

Conditions:
GLUD1-related disorder. Also called: GLUD1-related condition.
Hyperinsulinism-hyperammonemia syndrome (HHF6). Identifiers: Orphanet 35878, MedGen C1847555, MONDO:0011717, OMIM 606762.

Allele frequency attached by ClinVar (database versions not stated): gnomAD 0.00001; gnomAD exomes 0.00002; TOPMed 0.00002.
gnomAD v4.1: 23 of 1,611,714 alleles (0.0014%); highest among the groups gnomAD compares: East Asian, 0.0022%; no homozygotes.

Submissions (2):

PreventionGenetics, part of Exact Sciences
Classification: Uncertain significance for GLUD1-related condition. Last evaluated: 2026-04-21. Review status: criteria provided, single submitter. Criteria: ACMG Guidelines, 2015. Collection method: clinical testing. Allele origin: germline.
Comment: The GLUD1 c.200T>C variant is predicted to result in the amino acid substitution p.Phe67Ser. To our knowledge, this variant has not been reported in the literature. This variant is reported in 0.0039% of alleles in individuals of European (Non-Finnish) descent in gnomAD. At this time, the clinical significance of this variant is uncertain due to the absence of conclusive functional and genetic evidence.

Labcorp Genetics (formerly Invitae), Labcorp
Classification: Likely benign for Hyperinsulinism-hyperammonemia syndrome. Last evaluated: 2024-09-26. Review status: criteria provided, single submitter. Criteria: Invitae Variant Classification Sherloc (09022015). Collection method: clinical testing. Allele origin: germline.

NM_005271.5(GLUD1):c.200T>C (p.Phe67Ser)

Genes: GLUD1 (glutamate dehydrogenase 1; minus strand), SHLD2 (shieldin complex subunit 2; plus strand). Cytogenetic location: 10q23.2.
Variant type: single nucleotide variant.
Coding change: c.200T>C on transcript NM_005271.5 (MANE Select); coding-DNA position 200, T replaced by C.
Protein change: p.Phe67Ser; replaces phenylalanine 67 with serine.
Molecular consequence: missense variant. On other transcripts: 5 prime UTR variant (3).
Genome position (GRCh38, 1-based): chr10:87,094,570, A>G on the plus strand (T>C on the coding strand, the complement: GLUD1 is on the minus strand). VCF-style: chr10-87094570-A-G. GRCh37 (hg19) VCF-style: chr10-88854327-A-G.
Other names: c.-529T>C (NM_001318904.2); c.-655T>C (NM_001318905.2); c.-362T>C (NM_001318906.2); short protein forms F67S.
Identifiers: ClinVar variation 724531 (VCV000724531.9), dbSNP rs1401755923, ClinGen allele CA377456483.